The following is an entry in ClinVar:

NM_000486.6(AQP2):c.721del (p.Glu241fs)

Genes: AQP2 (aquaporin 2; plus strand), AQP5-AS1 (AQP5 and AQP2 antisense RNA 2; minus strand). Cytogenetic location: 12q13.12.
Variant type: Deletion.
Coding change: c.721del on transcript NM_000486.6 (MANE Select); coding-DNA position 721, one base deleted (G; older notation c.721delG).
Protein change: p.Glu241fs; shifts the reading frame from glutamic acid 241.
Molecular consequence: frameshift variant.
Genome position (GRCh38, 1-based): chr12:49,955,513, G deleted; the last of 2 consecutive G bases (chr12:49,955,512-49,955,513); deleting either gives the same sequence. VCF-style (leftmost placement, unchanged base first): chr12-49955511-TG-T. GRCh37 (hg19) VCF-style: chr12-50349294-TG-T.
Other names: c.721del (NM_000486.5); c.721delG (NM_000486.5); short protein forms E241fs.
Identifiers: ClinVar variation 17840 (VCV000017840.4), dbSNP rs1565637179, ClinGen allele CA891843500.
Genomic context (GRCh38, chr12:49,955,511, plus strand): 5'-ACTACGTGCTGTTTCCGCCAGCCAAGAGCCTGTCGGAGCGCCTGGCAGTGCTGAAGGGCC[TG>T]GAGCCGGACACCGATTGGGAGGAGCGCGAGGTGCGACGGCGGCAGTCGGTGGAGCTGCAC-3'

ClinVar aggregate classification (germline): Likely pathogenic. Review status: criteria provided, single submitter (1 of 4 stars). 2 submissions from 2 submitters: Likely pathogenic (1). 1 of the submissions does not count toward it. Last evaluated 2025-06-24.

Conditions:
Nephrogenic diabetes insipidus. Identifiers: Orphanet 223, MedGen C0162283, MONDO:0016383, HP:0009806.
Diabetes insipidus, nephrogenic, autosomal (NDI2). Also called: Nephrogenic Diabetes Insipidus, Type II; Diabetes insipidus, nephrogenic, 2, autosomal. Identifiers: Orphanet 223, MedGen C1563706, MONDO:0007451, OMIM 125800.

Submissions (2):

Natera, Inc.
Classification: Likely pathogenic for Nephrogenic diabetes insipidus. Last evaluated: 2025-06-24. Review status: criteria provided, single submitter. Criteria: Natera Variant Classification Schema (03/2026). Collection method: clinical testing. Allele origin: germline.
Comment: The c.721del variant in AQP2 is a frameshift variant predicted to elongate the protein beyond the termination codon. This variant is rare in the general population with a frequency below the threshold expected for the associated phenotype(s). This variant has been observed to segregate in affected family members (PMID: 11536078). Functional studies show that this variant may disrupt protein function (PMID: 11536078). Given the available evidence, this variant is classified as Likely Pathogenic.

OMIM
Classification: Pathogenic for DIABETES INSIPIDUS, NEPHROGENIC, 2, AUTOSOMAL DOMINANT. Last evaluated: 2001-10-01. Review status: no assertion criteria provided. Collection method: literature only. Allele origin: germline. Not counted in ClinVar's aggregate classification.

Literature cited by the submitters: PubMed 11536078 (cited by Natera, Inc. and OMIM).